The following is an entry in ClinVar:

ClinVar aggregate classification (germline): Likely benign. Review status: criteria provided, single submitter (1 of 4 stars). 2 submissions from 2 submitters: Likely benign (1). 1 of the submissions does not count toward it. Last evaluated 2023-11-27.

Conditions:
TBX3-related disorder. Also called: TBX3-related condition.
Ulnar-mammary syndrome (UMS). Also called: PALLISTER ULNAR-MAMMARY SYNDROME; Ulnar-mammary syndrome of Pallister; SCHINZEL SYNDROME. Identifiers: Orphanet 3138, MedGen C1866994, MONDO:0008411, OMIM 181450.

Allele frequency attached by ClinVar (database versions not stated): gnomAD exomes below 0.00001; TOPMed below 0.00001; ExAC 0.00001; gnomAD 0.00001.

Submissions (2):

Labcorp Genetics (formerly Invitae), Labcorp
Classification: Likely benign for Ulnar-mammary syndrome. Last evaluated: 2023-11-27. Review status: criteria provided, single submitter. Criteria: Invitae Variant Classification Sherloc (09022015). Collection method: clinical testing. Allele origin: germline.

PreventionGenetics, part of Exact Sciences
Classification: Likely benign for TBX3-related condition. Last evaluated: 2021-10-12. Review status: no assertion criteria provided. Collection method: clinical testing. Allele origin: germline. Not counted in ClinVar's aggregate classification.
Comment: This variant is classified as likely benign based on ACMG/AMP sequence variant interpretation guidelines (Richards et al. 2015 PMID: 25741868, with internal and published modifications).

NM_005996.4(TBX3):c.282G>A (p.Glu94=)

Genes: TBX3 (T-box transcription factor 3; minus strand), TBX3-AS1 (TBX3 antisense RNA 1; plus strand). Cytogenetic location: 12q24.21.
Variant type: single nucleotide variant.
Coding change: c.282G>A on transcript NM_005996.4 (MANE Select); coding-DNA position 282, G replaced by A.
Protein change: p.Glu94=; no amino-acid change (glutamic acid 94 retained).
Molecular consequence: synonymous variant.
Genome position (GRCh38, 1-based): chr12:114,682,919, C>T on the plus strand (G>A on the coding strand, the complement: TBX3 is on the minus strand). VCF-style: chr12-114682919-C-T. GRCh37 (hg19) VCF-style: chr12-115120724-C-T.
Other names: c.282G>A (NM_016569.3); c.282G>A, p.Glu94= (NM_016569.4).
Identifiers: ClinVar variation 2181347 (VCV002181347.6), dbSNP rs754910712, ClinGen allele CA6810231.